The following is an entry in ClinVar:

ClinVar aggregate classification (germline): Conflicting classifications of pathogenicity. Review status: criteria provided, conflicting classifications (1 of 4 stars). 7 submissions from 7 submitters: Uncertain significance (4); Likely benign (2). 1 of the submissions does not count toward it. Last evaluated 2026-08-06.

Conditions:
Hyperlipidemia due to hepatic triglyceride lipase deficiency. Also called: LIPC DEFICIENCY. Identifiers: Orphanet 140905, MedGen C3151466, MONDO:0013533, OMIM 614025.
Type 2 diabetes mellitus. Also called: Type II diabetes mellitus. Identifiers: MedGen C0011860, MeSH D003924, MONDO:0005148, OMIM 125853, HP:0005978.

Allele frequency attached by ClinVar (database versions not stated): 1000 Genomes Project 30x 0.00031; 1000 Genomes Project 0.00040; TOPMed 0.00057; gnomAD 0.00072 and 0.00076; gnomAD exomes 0.00101 and 0.00122; ExAC 0.00119.
gnomAD v4.1: 1,854 of 1,614,162 alleles (0.11%); highest among the groups gnomAD compares: Non-Finnish European, 0.15%; 3 homozygotes.

Submissions (7):

OLLIN Analises Genomicas, OLLIN
Classification: Uncertain significance for Type 2 diabetes mellitus. Last evaluated: 2026-08-06. Review status: criteria provided, single submitter. Criteria: ACMG Guidelines 2015 PMID 25741868. Collection method: clinical testing. Allele origin: germline.
Comment: This missense variant, located in exon 6 (of 9), has been reported in ClinVar (accession VCV000014452.16) and in gnomAD with an allele frequency of 0.11%. However, to our knowledge, it has not been reported in the scientific literature. In silico analysis predicts that this variant has a deleterious effect. According to the currently available evidence, this variant has been classified as uncertain significance (PP3_M).

Labcorp Genetics (formerly Invitae), Labcorp
Classification: Likely benign. Last evaluated: 2025-12-29. Review status: criteria provided, single submitter. Criteria: Invitae Variant Classification Sherloc (09022015). Collection method: clinical testing. Allele origin: germline.

Blueprint Genetics
Classification: Likely benign. Last evaluated: 2024-11-26. Review status: criteria provided, single submitter. Criteria: ACMG Guidelines, 2015. Collection method: clinical testing. Allele origin: germline.

Mayo Clinic Laboratories, Mayo Clinic
Classification: Uncertain significance. Last evaluated: 2024-03-15. Review status: criteria provided, single submitter. Criteria: ACMG Guidelines, 2015. Collection method: clinical testing. Allele origin: germline. Observed: 1 variant allele.
Comment: PP3, PP4, PM1_supporting, PS3_supporting

Illumina Laboratory Services, Illumina
Classification: Uncertain significance for Hyperlipidemia due to hepatic triglyceride lipase deficiency. Last evaluated: 2017-04-27. Review status: criteria provided, single submitter. Criteria: ICSL Variant Classification Criteria 13 December 2019. Collection method: clinical testing. Allele origin: germline.
Comment: This variant was observed as part of a predisposition screen in an ostensibly healthy population. A literature search was performed for the gene, cDNA change, and amino acid change (where applicable). Publications were found based on this search. However, the evidence from the literature, in combination with allele frequency data from public databases where available, was not sufficient to rule this variant in or out of causing disease. Therefore, this variant is classified as a variant of unknown significance.

Laboratory for Molecular Medicine, Mass General Brigham Personalized Medicine
Classification: Uncertain significance for Hepatic lipase deficiency. Last evaluated: 2014-10-16. Review status: criteria provided, single submitter. Criteria: LMM Criteria. Collection method: clinical testing. Allele origin: germline. Observed: 1 variant allele. Study: CSER-MedSeq.
Comment: The p.Ser289Phe variant in LIPC has been reported in 1 compound heterozygous individual with hepatic lipase deficiency and segregated with disease in 3 affected compound heterozygous relatives from 1 family (Hegele 1991). This variant has been identified in 0.13% (11/8584) of European American chromosomes and 0.05% (4/4384) of African American chromosomes by the NHLBI Exome Sequencing Project (dbSNP rs121912502). Although this variant has been seen in the general population, its frequency is low enough to be consistent with a recessive carrier frequency. In vitro assays indicate the p.Ser289Phe variant leads to reduced LIPC activity (Durstenfeld 1994). However, these types of assays may not accurately represent biological function. Computational prediction tools and conservation analysis also suggest that the p.Ser289Phe variant may impact the protein, though this information is not predictive enough to determine pathogenicity. In summary, while there is some suspicion for a pathogenic role, the clinical significance of the p.Ser289Phe variant is uncertain.

OMIM
Classification: Pathogenic for HEPATIC LIPASE DEFICIENCY. Last evaluated: 1991-08-30. Review status: no assertion criteria provided. Collection method: literature only. Allele origin: germline. Not counted in ClinVar's aggregate classification.

Literature cited by the submitters: PubMed 1883393 (cited by 4 submitters); PubMed 1903387 (cited by Mayo Clinic Laboratories, Mayo Clinic); PubMed 19088157 (cited by Mayo Clinic Laboratories, Mayo Clinic and Illumina Laboratory Services, Illumina); PubMed 23685560 (cited by Mayo Clinic Laboratories, Mayo Clinic and Illumina Laboratory Services, Illumina); PubMed 28870971 (cited by Mayo Clinic Laboratories, Mayo Clinic); PubMed 32041611 (cited by Mayo Clinic Laboratories, Mayo Clinic); PubMed 33326441 (cited by Mayo Clinic Laboratories, Mayo Clinic); PubMed 36325899 (cited by Mayo Clinic Laboratories, Mayo Clinic); PubMed 8123642 (cited by 3 submitters); PubMed 8485124 (cited by Mayo Clinic Laboratories, Mayo Clinic); PubMed 9714127 (cited by Mayo Clinic Laboratories, Mayo Clinic); PubMed 25361584 (cited by Illumina Laboratory Services, Illumina); PubMed 21130455 (cited by Illumina Laboratory Services, Illumina); PubMed 10729390 (cited by Illumina Laboratory Services, Illumina); PubMed 1671786 (cited by Illumina Laboratory Services, Illumina and OMIM).

NM_000236.3(LIPC):c.866C>T (p.Ser289Phe)

Gene: LIPC (lipase C, hepatic type; plus strand). Cytogenetic location: 15q21.3.
Variant type: single nucleotide variant.
Coding change: c.866C>T on transcript NM_000236.3 (MANE Select); coding-DNA position 866, C replaced by T.
Protein change: p.Ser289Phe; replaces serine 289 with phenylalanine.
Molecular consequence: missense variant.
Genome position (GRCh38, 1-based): chr15:58,548,387, C>T. VCF-style: chr15-58548387-C-T. GRCh37 (hg19) VCF-style: chr15-58840586-C-T.
Other names: S267F; short protein forms S289F.
Identifiers: ClinVar variation 14452 (VCV000014452.18), dbSNP rs121912502, ClinGen allele CA210844.